The following is an entry in ClinVar:

NM_024642.5(GALNT12):c.119A>C (p.Gln40Pro)

Gene: GALNT12 (polypeptide N-acetylgalactosaminyltransferase 12; plus strand). Cytogenetic location: 9q22.33.
Variant type: single nucleotide variant.
Coding change: c.119A>C on transcript NM_024642.5 (MANE Select); coding-DNA position 119, A replaced by C.
Protein change: p.Gln40Pro; replaces glutamine 40 with proline.
Molecular consequence: missense variant.
Genome position (GRCh38, 1-based): chr9:98,807,817, A>C. VCF-style: chr9-98807817-A-C. GRCh37 (hg19) VCF-style: chr9-101570099-A-C.
Other names: short protein forms Q40P.
Identifiers: ClinVar variation 1746764 (VCV001746764.8), dbSNP rs1437661282, ClinGen allele CA374222320.

ClinVar aggregate classification (germline): Uncertain significance. Review status: criteria provided, multiple submitters, no conflicts (2 of 4 stars). 2 submissions from 2 submitters: Uncertain significance (2). Last evaluated 2025-04-06.

Allele frequency attached by ClinVar (database versions not stated): gnomAD 0.00001; gnomAD exomes 0.00001; TOPMed 0.00002.

Submissions (2):

Ambry Genetics
Classification: Uncertain significance. Last evaluated: 2025-04-06. Review status: criteria provided, single submitter. Criteria: Ambry Variant Classification Scheme 2023. Collection method: clinical testing. Allele origin: germline.
Comment: The p.Q40P variant (also known as c.119A>C), located in coding exon 1 of the GALNT12 gene, results from an A to C substitution at nucleotide position 119. The glutamine at codon 40 is replaced by proline, an amino acid with similar properties. This amino acid position is poorly conserved in available vertebrate species. In addition, this alteration is predicted to be tolerated by in silico analysis. Since supporting evidence is limited at this time, the clinical significance of this alteration remains unclear.

Labcorp Genetics (formerly Invitae), Labcorp
Classification: Uncertain significance. Last evaluated: 2023-04-04. Review status: criteria provided, single submitter. Criteria: Invitae Variant Classification Sherloc (09022015). Collection method: clinical testing. Allele origin: germline.
Comment: Experimental studies and prediction algorithms are not available or were not evaluated, and the functional significance of this variant is currently unknown. In summary, the available evidence is currently insufficient to determine the role of this variant in disease. Therefore, it has been classified as a Variant of Uncertain Significance. This sequence change replaces glutamine, which is neutral and polar, with proline, which is neutral and non-polar, at codon 40 of the GALNT12 protein (p.Gln40Pro). The frequency data for this variant in the population databases is considered unreliable, as metrics indicate insufficient coverage at this position in the gnomAD database. This variant has not been reported in the literature in individuals affected with GALNT12-related conditions. ClinVar contains an entry for this variant (Variation ID: 1746764).